The following is an entry in ClinVar:

NM_152564.5(VPS13B):c.2639C>T (p.Ala880Val)

Gene: VPS13B (vacuolar protein sorting 13 homolog B; plus strand). Cytogenetic location: 8q22.2.
Variant type: single nucleotide variant.
Coding change: c.2639C>T on transcript NM_152564.5 (MANE Select); coding-DNA position 2639, C replaced by T.
Protein change: p.Ala880Val; replaces alanine 880 with valine.
Molecular consequence: missense variant.
Genome position (GRCh38, 1-based): chr8:99,274,321, C>T. VCF-style: chr8-99274321-C-T. GRCh37 (hg19) VCF-style: chr8-100286549-C-T.
Other names: c.2639C>T, p.Ala880Val (NM_017890.5); short protein forms A880V.
Identifiers: ClinVar variation 2197306 (VCV002197306.3), dbSNP rs746799750, ClinGen allele CA4822971.
Genomic context (GRCh38, chr8:99,274,321, plus strand): 5'-ACTGCAGCACATCATTGGTCAAATGTGCCTCTGGGACCATGGGATCAATAAAAATTTGTG[C>T]CAAAGCCCCAGGTATGTGCAGCTGGACCGTGTAAAACTTTATTGCCTGTATAGGAGAATT-3'
Protein context (NP_689777.3, residues 870-890): SGTMGSIKIC[Ala880Val]KAPVDSGKEK

ClinVar aggregate classification (germline): Uncertain significance (1 of 4 stars; one submission).

Conditions:
Cohen syndrome (COH1). Also called: Cutis verticis gyrata, retinitis pigmentosa, and sensorineural deafness; PEPPER SYNDROME. Identifiers: Orphanet 193, MedGen C0265223, MONDO:0008999, OMIM 216550.

Allele frequency attached by ClinVar (database versions not stated): ExAC 0.00003; gnomAD exomes 0.00003.
gnomAD v4.1: 48 of 1,614,022 alleles (0.003%); highest among the groups gnomAD compares: South Asian, 0.049%; no homozygotes.

Submission:

Labcorp Genetics (formerly Invitae), Labcorp
Classification: Uncertain significance for Cohen syndrome. Last evaluated: 2025-07-21. Review status: criteria provided, single submitter. Criteria: Invitae Variant Classification Sherloc (09022015). Collection method: clinical testing. Allele origin: germline.
Comment: This sequence change replaces alanine, which is neutral and non-polar, with valine, which is neutral and non-polar, at codon 880 of the VPS13B protein (p.Ala880Val). This variant is present in population databases (rs746799750, gnomAD 0.03%). This variant has not been reported in the literature in individuals affected with VPS13B-related conditions. ClinVar contains an entry for this variant (Variation ID: 2197306). Invitae Evidence Modeling of protein sequence and biophysical properties (such as structural, functional, and spatial information, amino acid conservation, physicochemical variation, residue mobility, and thermodynamic stability) indicates that this missense variant is expected to disrupt VPS13B protein function with a positive predictive value of 80%. In summary, the available evidence is currently insufficient to determine the role of this variant in disease. Therefore, it has been classified as a Variant of Uncertain Significance.